The following is an entry in ClinVar:

NM_020247.5(COQ8A):c.1651G>C (p.Glu551Gln)

Gene: COQ8A (coenzyme Q8A; plus strand). Cytogenetic location: 1q42.13.
Variant type: single nucleotide variant.
Coding change: c.1651G>C on transcript NM_020247.5 (MANE Select); coding-DNA position 1651, G replaced by C.
Protein change: p.Glu551Gln; replaces glutamic acid 551 with glutamine.
Molecular consequence: missense variant.
Genome position (GRCh38, 1-based): chr1:226,985,332, G>C. VCF-style: chr1-226985332-G-C. GRCh37 (hg19) VCF-style: chr1-227173033-G-C.
Other names: c.1651G>C (NM_020247.4); short protein forms E551Q.
Identifiers: ClinVar variation 3666430 (VCV003666430.3).
Genomic context (GRCh38, chr1:226,985,332, plus strand): 5'-GACAGGGACAGGGAGACTGTGCGGGCGAAATCCATAGAGATGAAGTTCCTCACCGGCTAC[G>C]AGGTCAAGGTGAGCAGGGTTGCGGGGGATCCCCTGGGCCTGCTGACCCAGGGCCCGGCTC-3'
Protein context (NP_064632.2, residues 541-561): SIEMKFLTGY[Glu551Gln]VKVMEDAHLD

ClinVar aggregate classification (germline): Likely pathogenic. Review status: criteria provided, multiple submitters, no conflicts (2 of 4 stars). 2 submissions from 2 submitters: Likely pathogenic (2). Last evaluated 2025-09-16.

Submissions (2):

Labcorp Genetics (formerly Invitae), Labcorp
Classification: Likely pathogenic. Last evaluated: 2025-09-16. Review status: criteria provided, single submitter. Criteria: Invitae Variant Classification Sherloc (09022015). Collection method: clinical testing. Allele origin: germline.
Comment: This sequence change replaces glutamic acid, which is acidic and polar, with glutamine, which is neutral and polar, at codon 551 of the COQ8A protein (p.Glu551Gln). This variant is not present in population databases (gnomAD no frequency). This missense change has been observed in individual(s) with clinical features of COQ8A-related conditions (internal data). In at least one individual the data is consistent with being in trans (on the opposite chromosome) from a pathogenic variant. ClinVar contains an entry for this variant (Variation ID: 3666430). Invitae Evidence Modeling of protein sequence and biophysical properties (such as structural, functional, and spatial information, amino acid conservation, physicochemical variation, residue mobility, and thermodynamic stability) indicates that this missense variant is expected to disrupt COQ8A protein function with a positive predictive value of 80%. This variant disrupts the p.Glu551 amino acid residue in COQ8A. Other variant(s) that disrupt this residue have been determined to be pathogenic (PMID: 18319072, 29915382). This suggests that this residue is clinically significant, and that variants that disrupt this residue are likely to be disease-causing. In summary, the currently available evidence indicates that the variant is pathogenic, but additional data are needed to prove that conclusively. Therefore, this variant has been classified as Likely Pathogenic.

GeneDx
Classification: Likely pathogenic. Last evaluated: 2024-10-01. Review status: criteria provided, single submitter. Criteria: GeneDx Variant Classification Process June 2021. Collection method: clinical testing. Allele origin: germline. Affected: yes.
Comment: Not observed at significant frequency in large population cohorts (gnomAD); In silico analysis supports that this missense variant has a deleterious effect on protein structure/function; This variant is associated with the following publications: (PMID: 39296910)

Literature cited by the submitters: PubMed 18319072 (cited by Labcorp Genetics (formerly Invitae), Labcorp); PubMed 29915382 (cited by Labcorp Genetics (formerly Invitae), Labcorp).